The following is an entry in ClinVar:

ClinVar aggregate classification (germline): Uncertain significance (1 of 4 stars; one submission).

Allele frequency attached by ClinVar (database versions not stated): gnomAD exomes 0.00005 and 0.00012; ExAC 0.00006; 1000 Genomes Project 30x 0.00016; gnomAD 0.00016 and 0.00017; TOPMed 0.00022.
gnomAD v4.1: 108 of 1,614,064 alleles (0.0067%); highest among the groups gnomAD compares: Admixed American, 0.057%; no homozygotes.

Submission:

Labcorp Genetics (formerly Invitae), Labcorp
Classification: Uncertain significance. Last evaluated: 2024-01-25. Review status: criteria provided, single submitter. Criteria: Invitae Variant Classification Sherloc (09022015). Collection method: clinical testing. Allele origin: germline.
Comment: This sequence change replaces glycine, which is neutral and non-polar, with aspartic acid, which is acidic and polar, at codon 704 of the ADAMTS17 protein (p.Gly704Asp). This variant is present in population databases (rs777267980, gnomAD 0.05%). This variant has not been reported in the literature in individuals affected with ADAMTS17-related conditions. ClinVar contains an entry for this variant (Variation ID: 1361601). An algorithm developed to predict the effect of missense changes on protein structure and function (PolyPhen-2) suggests that this variant is likely to be disruptive. In summary, the available evidence is currently insufficient to determine the role of this variant in disease. Therefore, it has been classified as a Variant of Uncertain Significance.

NM_139057.4(ADAMTS17):c.2111G>A (p.Gly704Asp)

Gene: ADAMTS17 (ADAM metallopeptidase with thrombospondin type 1 motif 17; minus strand). Cytogenetic location: 15q26.3.
Variant type: single nucleotide variant.
Coding change: c.2111G>A on transcript NM_139057.4 (MANE Select); coding-DNA position 2111, G replaced by A.
Protein change: p.Gly704Asp; replaces glycine 704 with aspartic acid.
Molecular consequence: missense variant.
Genome position (GRCh38, 1-based): chr15:100,096,382, C>T on the plus strand (G>A on the coding strand, the complement: ADAMTS17 is on the minus strand). VCF-style: chr15-100096382-C-T. GRCh37 (hg19) VCF-style: chr15-100636587-C-T.
Other names: short protein forms G704D.
Identifiers: ClinVar variation 1361601 (VCV001361601.4), dbSNP rs777267980, ClinGen allele CA7757893.